The following is an entry in ClinVar:

ClinVar aggregate classification (germline): Uncertain significance (1 of 4 stars; one submission).

gnomAD v4.1: 40 of 1,613,820 alleles (0.0025%); highest among the groups gnomAD compares: Non-Finnish European, 0.0032%; no homozygotes.

Submission:

Labcorp Genetics (formerly Invitae), Labcorp
Classification: Uncertain significance. Last evaluated: 2024-05-26. Review status: criteria provided, single submitter. Criteria: Invitae Variant Classification Sherloc (09022015). Collection method: clinical testing. Allele origin: germline.
Comment: This sequence change replaces threonine, which is neutral and polar, with alanine, which is neutral and non-polar, at codon 4159 of the HMCN1 protein (p.Thr4159Ala). This variant is present in population databases (no rsID available, gnomAD 0.004%). This variant has not been reported in the literature in individuals affected with HMCN1-related conditions. Algorithms developed to predict the effect of missense changes on protein structure and function output the following: SIFT: "Not Available"; PolyPhen-2: "Benign"; Align-GVGD: "Not Available". The alanine amino acid residue is found in multiple mammalian species, which suggests that this missense change does not adversely affect protein function. In summary, the available evidence is currently insufficient to determine the role of this variant in disease. Therefore, it has been classified as a Variant of Uncertain Significance.

NM_031935.3(HMCN1):c.12475A>G (p.Thr4159Ala)

Gene: HMCN1 (hemicentin 1; plus strand). Cytogenetic location: 1q31.1.
Variant type: single nucleotide variant.
Coding change: c.12475A>G on transcript NM_031935.3 (MANE Select); coding-DNA position 12475, A replaced by G.
Protein change: p.Thr4159Ala; replaces threonine 4159 with alanine.
Molecular consequence: missense variant.
Genome position (GRCh38, 1-based): chr1:186,123,196, A>G. VCF-style: chr1-186123196-A-G. GRCh37 (hg19) VCF-style: chr1-186092328-A-G.
Other names: short protein forms T4159A.
Identifiers: ClinVar variation 3611836 (VCV003611836.2).